The following is an entry in ClinVar:

NM_001171.6(ABCC6):c.2044_2045del (p.Lys682fs)

Gene: ABCC6 (ATP binding cassette subfamily C member 6; minus strand). Cytogenetic location: 16p13.11.
Variant type: Deletion.
Coding change: c.2044_2045del on transcript NM_001171.6 (MANE Select); coding-DNA positions 2044 to 2045, 2 bases deleted (AA; older notation c.2044_2045delAA).
Protein change: p.Lys682fs; shifts the reading frame from lysine 682.
Molecular consequence: frameshift variant. On other transcripts: non-coding transcript variant (1).
Genome position (GRCh38, 1-based): chr16:16,182,829-16,182,830, TT deleted on the plus strand (AA on the coding strand, the reverse complement: ABCC6 is on the minus strand); deleting any 2 consecutive bases within chr16:16,182,829-16,182,831 gives the same sequence; the c. name uses the placement nearest the transcript's 3' end. VCF-style (leftmost placement, unchanged base first): chr16-16182828-CTT-C. GRCh37 (hg19) VCF-style: chr16-16276685-CTT-C.
Other names: c.1702_1703del, p.Lys568fs (NM_001351800.1); short protein forms K682fs, K568fs.
Identifiers: ClinVar variation 2698001 (VCV002698001.3), dbSNP rs2511002358, ClinGen allele CA2697555667.

ClinVar aggregate classification (germline): Pathogenic (1 of 4 stars; one submission).

Submission:

Labcorp Genetics (formerly Invitae), Labcorp
Classification: Pathogenic. Last evaluated: 2023-11-21. Review status: criteria provided, single submitter. Criteria: Invitae Variant Classification Sherloc (09022015). Collection method: clinical testing. Allele origin: germline.
Comment: This sequence change creates a premature translational stop signal (p.Lys682Glyfs*58) in the ABCC6 gene. It is expected to result in an absent or disrupted protein product. Loss-of-function variants in ABCC6 are known to be pathogenic (PMID: 11536079, 17617515). This variant is not present in population databases (gnomAD no frequency). This variant has not been reported in the literature in individuals affected with ABCC6-related conditions. Algorithms developed to predict the effect of sequence changes on RNA splicing suggest that this variant may disrupt the consensus splice site. For these reasons, this variant has been classified as Pathogenic.

Literature cited by the submitters: PubMed 11536079; PubMed 17617515.